The following is an entry in ClinVar:

ClinVar aggregate classification (germline): Benign. Review status: criteria provided, single submitter (1 of 4 stars). 2 submissions from 1 submitter: Benign (2). Last evaluated 2018-01-13.

Conditions:
Susceptibility to mononeuropathy of the median nerve, mild. Also called: CARPAL TUNNEL SYNDROME, SUSCEPTIBILITY TO. Identifiers: MedGen C3150596, MONDO:0013237, OMIM 613353.
Charcot-Marie-Tooth disease type 4C (CMT4C). Also called: CHARCOT-MARIE-TOOTH DISEASE, DEMYELINATING, AUTOSOMAL RECESSIVE, TYPE 4C; CMT 4C; Charcot-Marie-Tooth Neuropathy Type 4C (CMT4C); CHARCOT-MARIE-TOOTH DISEASE, DEMYELINATING, TYPE 4C; SH3TC2-Related Hereditary Motor and Sensory Neuropathy. Identifiers: Orphanet 99949, MedGen C1866636, MONDO:0011113, OMIM 601596.

Allele frequency attached by ClinVar (database versions not stated): gnomAD 0.03207 and 0.03468; TOPMed 0.04738; 1000 Genomes Project 0.06969; 1000 Genomes Project 30x 0.06996.
gnomAD v4.1: 5,290 of 152,256 alleles (3.5%); highest among the groups gnomAD compares: Admixed American, 17%; 342 homozygotes.

Submissions (2):

Illumina Laboratory Services, Illumina
Classification: Benign for Susceptibility to mononeuropathy of the median nerve, mild. Last evaluated: 2018-01-13. Review status: criteria provided, single submitter. Criteria: ICSL Variant Classification Criteria 13 December 2019. Collection method: clinical testing. Allele origin: germline.
Comment: This variant was observed in the ICSL laboratory as part of a predisposition screen in an ostensibly healthy population. It had not been previously curated by ICSL or reported in the Human Gene Mutation Database (HGMD: prior to June 1st, 2018), and was therefore a candidate for classification through an automated scoring system. Utilizing variant allele frequency, disease prevalence and penetrance estimates, and inheritance mode, an automated score was calculated to assess if this variant is too frequent to cause the disease. Based on the score and internal cut-off values, a variant classified as benign is not then subjected to further curation. The score for this variant resulted in a classification of benign for this disease.

Illumina Laboratory Services, Illumina
Classification: Benign for Charcot-Marie-Tooth disease type 4C. Last evaluated: 2018-01-13. Review status: criteria provided, single submitter. Criteria: ICSL Variant Classification Criteria 13 December 2019. Collection method: clinical testing. Allele origin: germline.
Comment: the same text as in the submission from Illumina Laboratory Services, Illumina above.

NM_024577.4(SH3TC2):c.*3860G>A

Gene: SH3TC2 (SH3 domain and tetratricopeptide repeats 2; minus strand). Cytogenetic location: 5q32.
Variant type: single nucleotide variant.
Coding change: c.*3860G>A on transcript NM_024577.4 (MANE Select); 3860 bases downstream of the stop codon, G replaced by A.
Molecular consequence: 3 prime UTR variant.
Genome position (GRCh38, 1-based): chr5:149,000,851, C>T on the plus strand (G>A on the coding strand, the complement: SH3TC2 is on the minus strand). VCF-style: chr5-149000851-C-T. GRCh37 (hg19) VCF-style: chr5-148380414-C-T.
Identifiers: ClinVar variation 351834 (VCV000351834.5), dbSNP rs1432797, ClinGen allele CA10619567.